The following is an entry in ClinVar:

ClinVar aggregate classification (germline): Uncertain significance. Review status: criteria provided, multiple submitters, no conflicts (2 of 4 stars). 3 submissions from 3 submitters: Uncertain significance (3). Last evaluated 2025-04-03.

Conditions:
AUTS2-related disorder. Also called: AUTS2-related condition.
Inborn genetic diseases. Identifiers: MedGen C0950123, MeSH D030342.

gnomAD v4.1: 11 of 1,613,960 alleles (0.00068%); highest among the groups gnomAD compares: Non-Finnish European, 0.00093%; no homozygotes.

Submissions (3):

Ambry Genetics
Classification: Uncertain significance for Inborn genetic diseases. Last evaluated: 2025-04-03. Review status: criteria provided, single submitter. Criteria: Ambry Variant Classification Scheme 2023. Collection method: clinical testing. Allele origin: germline.

Labcorp Genetics (formerly Invitae), Labcorp
Classification: Uncertain significance. Last evaluated: 2025-01-27. Review status: criteria provided, single submitter. Criteria: Invitae Variant Classification Sherloc (09022015). Collection method: clinical testing. Allele origin: germline.
Comment: This sequence change replaces proline, which is neutral and non-polar, with serine, which is neutral and polar, at codon 367 of the AUTS2 protein (p.Pro367Ser). This variant is present in population databases (rs750522784, gnomAD 0.002%). This variant has not been reported in the literature in individuals affected with AUTS2-related conditions. Invitae Evidence Modeling of protein sequence and biophysical properties (such as structural, functional, and spatial information, amino acid conservation, physicochemical variation, residue mobility, and thermodynamic stability) indicates that this missense variant is not expected to disrupt AUTS2 protein function with a negative predictive value of 80%. In summary, the available evidence is currently insufficient to determine the role of this variant in disease. Therefore, it has been classified as a Variant of Uncertain Significance.

PreventionGenetics, part of Exact Sciences
Classification: Uncertain significance for AUTS2-related condition. Last evaluated: 2025-01-10. Review status: criteria provided, single submitter. Criteria: ACMG Guidelines, 2015. Collection method: clinical testing. Allele origin: germline.
Comment: The AUTS2 c.1099C>T variant is predicted to result in the amino acid substitution p.Pro367Ser. To our knowledge, this variant has not been reported in the literature. This variant is reported in 0.0018% of alleles in individuals of European (Non-Finnish) descent in gnomAD. At this time, the clinical significance of this variant is uncertain due to the absence of conclusive functional and genetic evidence.

NM_015570.4(AUTS2):c.1099C>T (p.Pro367Ser)

Gene: AUTS2 (activator of transcription and developmental regulator AUTS2; plus strand). Cytogenetic location: 7q11.22.
Variant type: single nucleotide variant.
Coding change: c.1099C>T on transcript NM_015570.4 (MANE Select); coding-DNA position 1099, C replaced by T.
Protein change: p.Pro367Ser; replaces proline 367 with serine.
Molecular consequence: missense variant.
Genome position (GRCh38, 1-based): chr7:70,763,226, C>T. VCF-style: chr7-70763226-C-T. GRCh37 (hg19) VCF-style: chr7-70228212-C-T.
Other names: c.1099C>T (NM_015570.2, NM_015570.3); c.1099C>T, p.Pro367Ser (NM_001127231.3); short protein forms P367S.
Identifiers: ClinVar variation 3668276 (VCV003668276.4).
Genomic context (GRCh38, chr7:70,763,226, plus strand): 5'-GAGGCCCAGCTCCAGCCTGCCCCGCAGCCTCAGGTGCAGAGGCCACCCAGGCCACAGTCC[C>T]CCACCCAGCTGCTCCATCAGAACCTCCCACCTGTGCAGGCCCACCCCTCTGCTCAGAGCC-3'
Protein context (NP_056385.1, residues 357-377): QVQRPPRPQS[Pro367Ser]TQLLHQNLPP